The following is an entry in ClinVar:

GRCh38/hg38 1p35.2(chr1:30116821-30696608)x1

Genes: LOC132088691 (Neanderthal introgressed variant-containing enhancer experimental_6631; plus strand), LOC132088692 (Neanderthal introgressed variant-containing enhancer experimental_6672; plus strand), LOC132088693 (Neanderthal introgressed variant-containing enhancer experimental_6678; plus strand), LOC126805678 (CDK7 strongly-dependent group 2 enhancer GRCh37_chr1:31000145-31001344; plus strand), LOC126805679 (P300/CBP strongly-dependent group 1 enhancer GRCh37_chr1:31090817-31092016; plus strand) and 2 more. Cytogenetic location: 1p35.2.
Variant type: copy number loss.
Change: copy number 1 (one copy instead of two) of chr1:30,116,821-30,696,608 (579.8 kb, GRCh38 coordinates, 1-based), cytogenetic band 1p35.2.
Identifiers: ClinVar variation 160935 (VCV000160935.1).

ClinVar aggregate classification (germline): Uncertain significance. Review status: criteria provided, multiple submitters, no conflicts (2 of 4 stars). 2 submissions from 2 submitters: Uncertain significance (2). Last evaluated 2011-08-12.

Submissions (2):

ISCA site 14
Classification: Uncertain significance. Last evaluated: 2011-08-12. Review status: criteria provided, single submitter. Criteria: Kaminsky et al. (Genet Med. 2011). Collection method: clinical testing. Allele origin: unknown. Affected: yes. Observed: 1 variant allele.
Comment: Copy number variation identified through the course of routine clinical cytogenomic testing in postnatal populations. Clinical assertions have been curated as described in Kaminsky et al. 2011.

ISCA site 4
Classification: Uncertain significance. Last evaluated: 2011-08-12. Review status: criteria provided, single submitter. Criteria: Kaminsky et al. (Genet Med. 2011). Collection method: clinical testing. Allele origin: paternal. Affected: yes. Observed: 1 variant allele.
Comment: the same text as in the submission from ISCA site 14 above.